The following is an entry in ClinVar:

NM_007294.4(BRCA1):c.5028A>T (p.Leu1676Phe)

Gene: BRCA1 (BRCA1 DNA repair associated; minus strand). Cytogenetic location: 17q21.31.
Variant type: single nucleotide variant.
Coding change: c.5028A>T on transcript NM_007294.4 (MANE Select); coding-DNA position 5028, A replaced by T.
Protein change: p.Leu1676Phe; replaces leucine 1676 with phenylalanine.
Molecular consequence: missense variant. On other transcripts: non-coding transcript variant (1).
Genome position (GRCh38, 1-based): chr17:43,067,654, T>A on the plus strand (A>T on the coding strand, the complement: BRCA1 is on the minus strand). VCF-style: chr17-43067654-T-A. GRCh37 (hg19) VCF-style: chr17-41219671-T-A.
Other names: c.4815A>T, p.Leu1605Phe (NM_001407571.1, NM_001407907.1, NM_001407908.1 and 12 more transcripts); c.5094A>T, p.Leu1698Phe (NM_001407581.1, NM_001407582.1); c.5091A>T, p.Leu1697Phe (NM_001407583.1, NM_001407585.1, NM_001407587.1 and 1 more transcripts); c.5088A>T, p.Leu1696Phe (NM_001407590.1, NM_001407591.1); c.5028A>T, p.Leu1676Phe (NM_001407593.1, NM_001407594.1, NM_001407652.1 and 8 more transcripts); c.5025A>T, p.Leu1675Phe (NM_001407614.1, NM_001407615.1, NM_001407616.1 and 17 more transcripts); c.5022A>T, p.Leu1674Phe (NM_001407633.1, NM_001407634.1, NM_001407635.1 and 14 more transcripts); c.4950A>T, p.Leu1650Phe (NM_001407655.1, NM_001407653.1, NM_001407654.1); and 70 more; short protein forms L1676F, L1697F, L572F, L1629F, L1380F, L1522F, L1564F, L1565F.
Identifiers: ClinVar variation 419031 (VCV000419031.18), dbSNP rs1064793596, ClinGen allele CA10591460.
Genomic context (GRCh38, chr17:43,067,654, plus strand): 5'-GGTTCTTGGTATACCTGTTTTCATAACAACATGAGTAGTCTCTTCAGTAATTAGATTAGT[T>A]AAAGTGATGTGGTGTTTTCTGGCAAACTTGTACACGAGCATCTGAAATTAAATCAAATAT-3'
Protein context (NP_009225.1, residues 1666-1686): YKFARKHHIT[Leu1676Phe]TNLITEETTH

ClinVar aggregate classification (germline): Conflicting classifications of pathogenicity. Review status: criteria provided, conflicting classifications (1 of 4 stars). 3 submissions from 3 submitters: Uncertain significance (2); Benign (1). Last evaluated 2025-07-28.

Conditions:
Hereditary breast ovarian cancer syndrome. Also called: Hereditary breast and ovarian cancer syndrome (HBOC); BRCA1- and BRCA2-Associated Hereditary Breast and Ovarian Cancer; Hereditary breast and/or ovarian cancer syndrome; Hereditary breast and ovarian cancer syndrome; Hereditary breast and ovarian cancer; Breast and ovarian cancer. Identifiers: Orphanet 145, MedGen C0677776, MeSH D061325, MONDO:0003582. Disease mechanism: loss of function.
Hereditary cancer-predisposing syndrome. Also called: Neoplastic Syndromes, Hereditary; Hereditary neoplastic syndrome; Tumor predisposition; Hereditary Cancer Syndrome. Identifiers: Orphanet 140162, MedGen C0027672, MeSH D009386, MONDO:0015356.

Submissions (4):

Ambry Genetics
Classification: Benign for Hereditary cancer-predisposing syndrome. Last evaluated: 2025-07-28. Review status: criteria provided, single submitter. Criteria: Ambry Variant Classification Scheme 2023. Collection method: clinical testing. Allele origin: germline.

Labcorp Genetics (formerly Invitae), Labcorp
Classification: Uncertain significance for Hereditary breast ovarian cancer syndrome. Last evaluated: 2024-02-20. Review status: criteria provided, single submitter. Criteria: Invitae Variant Classification Sherloc (09022015). Collection method: clinical testing. Allele origin: germline.
Comment: This sequence change replaces leucine, which is neutral and non-polar, with phenylalanine, which is neutral and non-polar, at codon 1676 of the BRCA1 protein (p.Leu1676Phe). This variant is not present in population databases (gnomAD no frequency). This variant has not been reported in the literature in individuals affected with BRCA1-related conditions. ClinVar contains an entry for this variant (Variation ID: 419031). Advanced modeling performed at Invitae incorporating data from internal and/or published experimental studies (PMID: 30209399) indicates that this missense variant is not expected to disrupt BRCA1 function with a negative predictive value of 95%. Experimental studies have shown that this missense change does not substantially affect BRCA1 function (PMID: 30209399). In summary, the available evidence is currently insufficient to determine the role of this variant in disease. Therefore, it has been classified as a Variant of Uncertain Significance.

GeneDx
Classification: Uncertain significance. Last evaluated: 2015-05-11. Review status: criteria provided, single submitter. Criteria: GeneDx Variant Classification (06012015). Collection method: clinical testing. Allele origin: germline. Affected: yes.
Comment: This variant is denoted BRCA1 c.5028A>T at the cDNA level, p.Leu1676Phe (L1676F) at the protein level, and results in the change of a Leucine to a Phenylalanine (TTA>TTT). Using alternate nomenclature, this variant would be defined as BRCA1 5147A>T. This variant has not, to our knowledge, been published in the literature as pathogenic or benign. BRCA1 Leu1676Phe was not observed in approximately 6,500 individuals of European and African American ancestry in the NHLBI Exome Sequencing Project, indicating it is not a common benign variant in these populations. Since Leucine and Phenylalanine share similar properties, this is considered a conservative amino acid substitution. BRCA1 Leu1676Phe occurs at a position where amino acids with properties similar to Leucine are tolerated across species and is located in the BRCT1 domain (Narod 2004, UniProt). In silico analyses are inconsistent regarding the effect this variant may have on protein structure and function. Based on currently available information, it is unclear whether BRCA1 Leu1676Phe is pathogenic or benign. We consider it to be a variant of uncertain significance.

Brotman Baty Institute, University of Washington
No classification provided (evidence only). Condition: Breast-ovarian cancer, familial 1. Review status: no classification provided. Collection method: in vitro. Allele origin: not applicable. Functional consequence: functionally_normal. Not counted in ClinVar's aggregate classification.
ClinVar note: "not provided" was previously submitted as the classification for the variant. However, the classification appeared to be based only on an observation of functional data so it was converted to no classification on 2025-07-30.

Literature cited by the submitters: PubMed 30209399 (cited by Labcorp Genetics (formerly Invitae), Labcorp).